The following is an entry in ClinVar:

NM_000443.4(ABCB4):c.904G>T (p.Gly302Cys)

Gene: ABCB4 (ATP binding cassette subfamily B member 4; minus strand). Cytogenetic location: 7q21.12.
Variant type: single nucleotide variant.
Coding change: c.904G>T on transcript NM_000443.4 (MANE Select); coding-DNA position 904, G replaced by T.
Protein change: p.Gly302Cys; replaces glycine 302 with cysteine.
Molecular consequence: missense variant.
Genome position (GRCh38, 1-based): chr7:87,447,135, C>A on the plus strand (G>T on the coding strand, the complement: ABCB4 is on the minus strand). VCF-style: chr7-87447135-C-A. GRCh37 (hg19) VCF-style: chr7-87076451-C-A.
Other names: c.904G>T, p.Gly302Cys (NM_018849.3, NM_018850.3); short protein forms G302C.
Identifiers: ClinVar variation 4846464 (VCV004846464.1).

ClinVar aggregate classification (germline): Uncertain significance (1 of 4 stars; one submission).

Conditions:
Familial intrahepatic cholestasis. Identifiers: Orphanet 284385, MedGen CN296401, MONDO:0017290.

Submission:

Genomenon, Inc
Classification: Uncertain significance for Familial intrahepatic cholestasis. Last evaluated: 2026-04-14. Review status: criteria provided, single submitter. Criteria: Genomenon Sequence Variant Interpretation Standards - Updated. Collection method: curation. Allele origin: germline. Affected: yes.
Comment: ABCB4 p.Gly302Cys (c.904G>T) is a missense variant that changes the amino acid at residue 302 from Glycine to Cysteine. This variant has been observed in at least one proband with an ABCB4-related disorder (PMID:39521930). It has been observed in trans with a pathogenic or likely pathogenic variant (PMID:39521930). It is absent or not present at a significant frequency in gnomAD. In silico models predict that this variant is possibly or probably damaging. In conclusion, we classify ABCB4 p.Gly302Cys (c.904G>T) as a variant of uncertain significance.

Literature cited by the submitters: PubMed 39521930.